The following is an entry in ClinVar:

NM_016642.4(SPTBN5):c.2457+10G>C

Gene: SPTBN5 (spectrin beta, non-erythrocytic 5; minus strand). Cytogenetic location: 15q15.1.
Variant type: single nucleotide variant.
Coding change: c.2457+10G>C on transcript NM_016642.4 (MANE Select); 10 bases into the intron after coding-DNA position 2457, G replaced by C.
Molecular consequence: intron variant.
Genome position (GRCh38, 1-based): chr15:41,881,926, C>G on the plus strand (G>C on the coding strand, the complement: SPTBN5 is on the minus strand). VCF-style: chr15-41881926-C-G. GRCh37 (hg19) VCF-style: chr15-42174124-C-G.
Identifiers: ClinVar variation 3058713 (VCV003058713.2), dbSNP rs761987703, ClinGen allele CA7503918.

ClinVar aggregate classification (germline): Likely benign (0 of 4 stars; one submission).

Conditions:
SPTBN5-related disorder. Also called: SPTBN5-related condition.

Allele frequency attached by ClinVar (database versions not stated): gnomAD exomes 0.00020; TOPMed 0.00027; gnomAD 0.00033; ExAC 0.00134.
gnomAD v4.1: 362 of 1,526,786 alleles (0.024%); highest among the groups gnomAD compares: Middle Eastern, 0.023%; 2 homozygotes.

Submission:

PreventionGenetics, part of Exact Sciences
Classification: Likely benign for SPTBN5-related condition. Last evaluated: 2019-03-21. Review status: no assertion criteria provided. Collection method: clinical testing. Allele origin: germline.
Comment: This variant is classified as likely benign based on ACMG/AMP sequence variant interpretation guidelines (Richards et al. 2015 PMID: 25741868, with internal and published modifications).